The following is an entry in ClinVar:

NM_001035.3(RYR2):c.7873G>A (p.Gly2625Arg)

Gene: RYR2 (ryanodine receptor 2; plus strand). Cytogenetic location: 1q43.
Variant type: single nucleotide variant.
Coding change: c.7873G>A on transcript NM_001035.3 (MANE Select); coding-DNA position 7873, G replaced by A.
Protein change: p.Gly2625Arg; replaces glycine 2625 with arginine.
Molecular consequence: missense variant.
Genome position (GRCh38, 1-based): chr1:237,654,322, G>A. VCF-style: chr1-237654322-G-A. GRCh37 (hg19) VCF-style: chr1-237817622-G-A.
Other names: short protein forms G2625R.
Identifiers: ClinVar variation 3073687 (VCV003073687.1), dbSNP rs2547070328, ClinGen allele CA345400248.
Genomic context (GRCh38, chr1:237,654,322, plus strand): 5'-TTTCCCACATAGCTGCTGACAAATCATTATGAAAGATGCTGGAAATATTACTGCCTGCCT[G>A]GAGGGTGGGGAAACTTTGGTGCTGCCTCAGAAGAAGAACTTCATTTATCAAGAAAGTTGT-3'
Protein context (NP_001026.2, residues 2615-2635): ERCWKYYCLP[Gly2625Arg]GWGNFGAASE

ClinVar aggregate classification (germline): Uncertain significance (1 of 4 stars; one submission).

Conditions:
Catecholaminergic polymorphic ventricular tachycardia (CVPT). Also called: Catecholamine-induced polymorphic ventricular tachycardia. Identifiers: Orphanet 3286, MedGen C5574922, MONDO:0017990.

Submission:

All of Us Research Program, National Institutes of Health
Classification: Uncertain significance for Catecholaminergic polymorphic ventricular tachycardia. Last evaluated: 2023-10-06. Review status: criteria provided, single submitter. Criteria: ACMG Guidelines, 2015. Collection method: clinical testing. Allele origin: germline. Inheritance: Autosomal dominant inheritance. Observed: 1 variant allele, 1 heterozygote.
Comment: This missense variant replaces glycine with arginine at codon 2625 of the RYR2 protein. Computational prediction suggests that this variant may not impact protein structure and function (internally defined REVEL score threshold <= 0.5, PMID: 27666373). To our knowledge, functional studies have not been reported for this variant. This variant has not been reported in individuals affected with RYR2-related disorders in the literature. This variant has not been identified in the general population by the Genome Aggregation Database (gnomAD). The available evidence is insufficient to determine the role of this variant in disease conclusively. Therefore, this variant is classified as a Variant of Uncertain Significance.

This study involves interpretation of variants in research participants for the purpose of population health screening. Participant phenotype was not available at the time of variant classification. Additional details can be found in publication PMID: 35346344, PMCID: PMC8962531